The following is an entry in ClinVar:

NM_014423.4(AFF4):c.480G>A (p.Gly160=)

Gene: AFF4 (ALF transcription elongation factor 4; minus strand). Cytogenetic location: 5q31.1.
Variant type: single nucleotide variant.
Coding change: c.480G>A on transcript NM_014423.4 (MANE Select); coding-DNA position 480, G replaced by A.
Protein change: p.Gly160=; no amino-acid change (glycine 160 retained).
Molecular consequence: synonymous variant.
Genome position (GRCh38, 1-based): chr5:132,934,585, C>T on the plus strand (G>A on the coding strand, the complement: AFF4 is on the minus strand). VCF-style: chr5-132934585-C-T. GRCh37 (hg19) VCF-style: chr5-132270277-C-T.
Identifiers: ClinVar variation 4982027 (VCV004982027.1).
Genomic context (GRCh38, chr5:132,934,585, plus strand): 5'-GCTGGAAGAACGTGATTTGGAGTGTTCTGATCCATGCTGGCCTTTTTTCCGGCTACTGCT[C>T]CCACTATTGTTATATGACTCACGGTCGTGCCTCTGACCACTACTGTTAGTGCCACTACTG-3'
Protein context (NP_055238.1, residues 150-170): RHDRESYNNS[Gly160=]SSSRKKGQHG

ClinVar aggregate classification (germline): Likely benign (1 of 4 stars; one submission).

Conditions:
AFF4-related disorder. Also called: AFF4-related condition.

gnomAD v4.1: 3 of 1,614,012 alleles (0.00019%); highest among the groups gnomAD compares: African/African-American, 0.0027%; no homozygotes.

Submission:

PreventionGenetics, part of Exact Sciences
Classification: Likely benign for AFF4-related condition. Last evaluated: 2025-09-03. Review status: criteria provided, single submitter. Criteria: ACMG Guidelines, 2015. Collection method: clinical testing. Allele origin: germline.
Comment: This variant is classified as likely benign based on ACMG/AMP sequence variant interpretation guidelines (Richards et al. 2015 PMID: 25741868, with internal and published modifications).